The following is an entry in ClinVar:

ClinVar aggregate classification (germline): Pathogenic (1 of 4 stars; one submission).

Conditions:
Carnitine acylcarnitine translocase deficiency (CACTD). Identifiers: Orphanet 159, MedGen C0342791, MONDO:0008918, OMIM 212138.

Submission:

Labcorp Genetics (formerly Invitae), Labcorp
Classification: Pathogenic for Carnitine acylcarnitine translocase deficiency. Last evaluated: 2019-05-10. Review status: criteria provided, single submitter. Criteria: Invitae Variant Classification Sherloc (09022015). Collection method: clinical testing. Allele origin: germline.
Comment: This sequence change creates a premature translational stop signal (p.Tyr169Leufs*15) in the SLC25A20 gene. It is expected to result in an absent or disrupted protein product. This variant is not present in population databases (ExAC no frequency). For these reasons, this variant has been classified as Pathogenic. Loss-of-function variants in SLC25A20 are known to be pathogenic (PMID: 25614308). This variant has not been reported in the literature in individuals with SLC25A20-related disease.

Literature cited by the submitters: PubMed 25614308.

NM_000387.6(SLC25A20):c.505dup (p.Tyr169fs)

Gene: SLC25A20 (solute carrier family 25 member 20; minus strand). Cytogenetic location: 3p21.31.
Variant type: Duplication.
Coding change: c.505dup on transcript NM_000387.6 (MANE Select); coding-DNA position 505, one base duplicated (T; older notation c.505dupT).
Protein change: p.Tyr169fs; shifts the reading frame from tyrosine 169.
Molecular consequence: frameshift variant.
Genome position (GRCh38, 1-based): chr3:48,862,572, A duplicated on the plus strand (T on the coding strand, the reverse complement: SLC25A20 is on the minus strand). VCF-style (leftmost placement, unchanged base first): chr3-48862571-T-TA. GRCh37 (hg19) VCF-style: chr3-48900004-T-TA.
Other names: c.505dupT (NM_000387.5); short protein forms Y169fs.
Identifiers: ClinVar variation 460440 (VCV000460440.7), dbSNP rs1553684897, ClinGen allele CA658657297.